The following is an entry in ClinVar:

NM_138370.3(PKDCC):c.1415T>C (p.Phe472Ser)

Gene: PKDCC (protein kinase domain containing, cytoplasmic; plus strand). Cytogenetic location: 2p21.
Variant type: single nucleotide variant.
Coding change: c.1415T>C on transcript NM_138370.3 (MANE Select); coding-DNA position 1415, T replaced by C.
Protein change: p.Phe472Ser; replaces phenylalanine 472 with serine.
Molecular consequence: missense variant.
Genome position (GRCh38, 1-based): chr2:42,057,621, T>C. VCF-style: chr2-42057621-T-C. GRCh37 (hg19) VCF-style: chr2-42284761-T-C.
Other names: short protein forms F472S.
Identifiers: ClinVar variation 1414659 (VCV001414659.6), dbSNP rs754920372, ClinGen allele CA1628250.

ClinVar aggregate classification (germline): Uncertain significance (1 of 4 stars; one submission).

Allele frequency attached by ClinVar (database versions not stated): gnomAD exomes below 0.00001; ExAC 0.00001.

Submission:

Labcorp Genetics (formerly Invitae), Labcorp
Classification: Uncertain significance. Last evaluated: 2024-07-15. Review status: criteria provided, single submitter. Criteria: Invitae Variant Classification Sherloc (09022015). Collection method: clinical testing. Allele origin: germline.
Comment: This sequence change replaces phenylalanine, which is neutral and non-polar, with serine, which is neutral and polar, at codon 472 of the PKDCC protein (p.Phe472Ser). This variant is present in population databases (rs754920372, gnomAD 0.0009%). This variant has not been reported in the literature in individuals affected with PKDCC-related conditions. ClinVar contains an entry for this variant (Variation ID: 1414659). An algorithm developed to predict the effect of missense changes on protein structure and function (PolyPhen-2) suggests that this variant is likely to be disruptive. In summary, the available evidence is currently insufficient to determine the role of this variant in disease. Therefore, it has been classified as a Variant of Uncertain Significance.